The following is an entry in ClinVar:

NM_001034853.2(RPGR):c.2962G>A (p.Gly988Arg)

Gene: RPGR (retinitis pigmentosa GTPase regulator; minus strand). Cytogenetic location: Xp11.4.
Variant type: single nucleotide variant.
Coding change: c.2962G>A on transcript NM_001034853.2 (MANE Select); coding-DNA position 2962, G replaced by A.
Protein change: p.Gly988Arg; replaces glycine 988 with arginine.
Molecular consequence: missense variant. On other transcripts: intron variant (8).
Genome position (GRCh38, 1-based): chrX:38,286,037, C>T on the plus strand (G>A on the coding strand, the complement: RPGR is on the minus strand). VCF-style: chrX-38286037-C-T. GRCh37 (hg19) VCF-style: chrX-38145290-C-T.
Other names: c.1569+4922G>A (NM_001367249.1, NM_001367250.1); c.1902+1057G>A (NM_001367245.1); c.1386+4922G>A (NM_001367251.1); c.1719+1057G>A (NM_001367246.1); c.1572+4922G>A (NM_001367247.1); c.1905+1057G>A (NM_000328.3); c.1602+4922G>A (NM_001367248.1); short protein forms G988R.
Identifiers: ClinVar variation 2430208 (VCV002430208.5), dbSNP rs1569235768, ClinGen allele CA412729347.

ClinVar aggregate classification (germline): Uncertain significance. Review status: criteria provided, multiple submitters, no conflicts (2 of 4 stars). 2 submissions from 2 submitters: Uncertain significance (2). Last evaluated 2022-11-16.

Conditions:
Primary ciliary dyskinesia. Also called: Ciliary dyskinesia. Identifiers: Orphanet 244, MedGen C0008780, MONDO:0016575, HP:0012265.

Submissions (2):

Labcorp Genetics (formerly Invitae), Labcorp
Classification: Uncertain significance for Primary ciliary dyskinesia. Last evaluated: 2022-11-16. Review status: criteria provided, single submitter. Criteria: Invitae Variant Classification Sherloc (09022015). Collection method: clinical testing. Allele origin: germline.
Comment: In summary, the available evidence is currently insufficient to determine the role of this variant in disease. Therefore, it has been classified as a Variant of Uncertain Significance. Advanced modeling of protein sequence and biophysical properties (such as structural, functional, and spatial information, amino acid conservation, physicochemical variation, residue mobility, and thermodynamic stability) performed at Invitae indicates that this missense variant is not expected to disrupt RPGR (ORF15) protein function. This variant has not been reported in the literature in individuals affected with RPGR (ORF15)-related conditions. This variant is not present in population databases (gnomAD no frequency). This sequence change replaces glycine, which is neutral and non-polar, with arginine, which is basic and polar, at codon 988 of the RPGR (ORF15) protein (p.Gly988Arg).

PreventionGenetics, part of Exact Sciences
Classification: Uncertain significance. Last evaluated: 2019-08-05. Review status: criteria provided, single submitter. Criteria: ACMG Guidelines, 2015. Collection method: clinical testing. Allele origin: germline.